The following is an entry in ClinVar:

ClinVar aggregate classification (germline): Pathogenic/Likely pathogenic. Review status: criteria provided, multiple submitters, no conflicts (2 of 4 stars). 4 submissions from 4 submitters: Pathogenic (3); Likely pathogenic (1). Last evaluated 2026-08-24.

Conditions:
Developmental and epileptic encephalopathy, 37 (DEE37). Also called: Epileptic encephalopathy, early infantile, 37. Identifiers: MedGen C4310770, MONDO:0014859, OMIM 616981.

Submissions (4):

GeneDx
Classification: Pathogenic. Last evaluated: 2026-08-24. Review status: criteria provided, single submitter. Criteria: GeneDx Variant Classification Process June 2021. Collection method: clinical testing. Allele origin: germline.
Comment: Frameshift variant predicted to result in protein truncation or nonsense mediated decay in a gene for which loss of function is a known mechanism of disease; Not observed at significant frequency in large population cohorts (gnomAD); Has not been previously published as pathogenic or benign to our knowledge

Women's Health and Genetics/Laboratory Corporation of America, LabCorp
Classification: Pathogenic for Developmental and epileptic encephalopathy, 37. Last evaluated: 2026-01-23. Review status: criteria provided, single submitter. Criteria: LabCorp Variant Classification Summary - May 2015. Collection method: clinical testing. Allele origin: germline.
Comment: Variant summary: FRRS1L c.566delC (p.Pro189LeufsX22) results in a premature termination codon, predicted to cause a truncation of the encoded protein or absence of the protein due to nonsense mediated decay, which are commonly known mechanisms for disease. The variant was absent in 251436 control chromosomes. To our knowledge, no occurrence of c.566delC in individuals affected with FRRS1L-related conditions and no experimental evidence demonstrating its impact on protein function have been reported. ClinVar contains an entry for this variant (Variation ID: 1071396). Based on the evidence outlined above, the variant was classified as pathogenic.

Labcorp Genetics (formerly Invitae), Labcorp
Classification: Pathogenic for Developmental and epileptic encephalopathy, 37. Last evaluated: 2025-03-30. Review status: criteria provided, single submitter. Criteria: Invitae Variant Classification Sherloc (09022015). Collection method: clinical testing. Allele origin: germline.
Comment: This sequence change creates a premature translational stop signal (p.Pro240Leufs*22) in the FRRS1L gene. It is expected to result in an absent or disrupted protein product. Loss-of-function variants in FRRS1L are known to be pathogenic (PMID: 27236917). This variant is not present in population databases (gnomAD no frequency). This variant has not been reported in the literature in individuals affected with FRRS1L-related conditions. ClinVar contains an entry for this variant (Variation ID: 1071396). For these reasons, this variant has been classified as Pathogenic.

Mayo Clinic Laboratories, Mayo Clinic
Classification: Likely pathogenic. Last evaluated: 2023-04-17. Review status: criteria provided, single submitter. Criteria: ACMG Guidelines, 2015. Collection method: clinical testing. Allele origin: germline. Observed: 1 variant allele.
Comment: PM2, PVS1

Literature cited by the submitters: PubMed 27236917 (cited by Labcorp Genetics (formerly Invitae), Labcorp).

NM_014334.4(FRRS1L):c.566del (p.Pro189fs)

Gene: FRRS1L (ferric chelate reductase 1 like; minus strand). Cytogenetic location: 9q31.3.
Variant type: Deletion.
Coding change: c.566del on transcript NM_014334.4 (MANE Select); coding-DNA position 566, one base deleted (C; older notation c.566delC).
Protein change: p.Pro189fs; shifts the reading frame from proline 189.
Molecular consequence: frameshift variant.
Genome position (GRCh38, 1-based): chr9:109,141,486, G deleted on the plus strand (C on the coding strand, the reverse complement: FRRS1L is on the minus strand); the first of 3 consecutive G bases (chr9:109,141,486-109,141,488); deleting any one gives the same sequence. VCF-style (leftmost placement, unchanged base first): chr9-109141485-AG-A. GRCh37 (hg19) VCF-style: chr9-111903765-AG-A.
Other names: p.Pro240Leufs*22; c.566delC (NM_014334.4); short protein forms P189fs.
Identifiers: ClinVar variation 1071396 (VCV001071396.13), dbSNP rs1831184766, ClinGen allele CA1871446125.